The following is an entry in ClinVar:

ClinVar aggregate classification (germline): Uncertain significance (1 of 4 stars; one submission).

Conditions:
Pitt-Hopkins-like syndrome 2 (PTHSL2). Identifiers: Orphanet 221150, Orphanet 600663, MedGen C3280479, MONDO:0013690, OMIM 614325.

Submission:

Labcorp Genetics (formerly Invitae), Labcorp
Classification: Uncertain significance for Pitt-Hopkins-like syndrome 2. Last evaluated: 2021-01-30. Review status: criteria provided, single submitter. Criteria: Invitae Variant Classification Sherloc (09022015). Collection method: clinical testing. Allele origin: germline.
Comment: Algorithms developed to predict the effect of missense changes on protein structure and function output the following: SIFT: "Tolerated"; PolyPhen-2: "Benign"; Align-GVGD: "Class C0". The leucine amino acid residue is found in multiple mammalian species, suggesting that this missense change does not adversely affect protein function. These predictions have not been confirmed by published functional studies and their clinical significance is uncertain. This sequence change replaces methionine with leucine at codon 54 of the NRXN1 protein (p.Met54Leu). The methionine residue is highly conserved and there is a small physicochemical difference between methionine and leucine. This variant is not present in population databases (ExAC no frequency). This variant has not been reported in the literature in individuals with NRXN1-related conditions. In summary, the available evidence is currently insufficient to determine the role of this variant in disease. Therefore, it has been classified as a Variant of Uncertain Significance.

NM_001330078.2(NRXN1):c.160A>T (p.Met54Leu)

Gene: NRXN1 (neurexin 1; minus strand). Cytogenetic location: 2p16.3.
Variant type: single nucleotide variant.
Coding change: c.160A>T on transcript NM_001330078.2 (MANE Select); coding-DNA position 160, A replaced by T.
Protein change: p.Met54Leu; replaces methionine 54 with leucine.
Molecular consequence: missense variant.
Genome position (GRCh38, 1-based): chr2:51,028,114, T>A on the plus strand (A>T on the coding strand, the complement: NRXN1 is on the minus strand). VCF-style: chr2-51028114-T-A. GRCh37 (hg19) VCF-style: chr2-51255252-T-A.
Other names: c.160A>T, p.Met54Leu (NM_001135659.3, NM_001330077.2, NM_001330079.2 and 15 more transcripts); short protein forms M54L.
Identifiers: ClinVar variation 1475700 (VCV001475700.8), dbSNP rs2105333796, ClinGen allele CA346824573.